The following is an entry in ClinVar:

ClinVar aggregate classification (germline): Uncertain significance (1 of 4 stars; one submission).

Conditions:
Anauxetic dysplasia. Identifiers: Orphanet 93347, MedGen C1846796, MONDO:0011773.

Submission:

Labcorp Genetics (formerly Invitae), Labcorp
Classification: Uncertain significance for Anauxetic dysplasia. Last evaluated: 2022-11-12. Review status: criteria provided, single submitter. Criteria: Invitae Variant Classification Sherloc (09022015). Collection method: clinical testing. Allele origin: germline.
Comment: This variant occurs in the RMRP gene, which encodes an RNA molecule that does not result in a protein product. This variant is not present in population databases (gnomAD no frequency). This variant has not been reported in the literature in individuals affected with RMRP-related conditions. Experimental studies and prediction algorithms are not available or were not evaluated, and the functional significance of this variant is currently unknown. In summary, the available evidence is currently insufficient to determine the role of this variant in disease. Therefore, it has been classified as a Variant of Uncertain Significance.

NC_000009.12:g.35658076_35658084del

Gene: RMRP (RNA component of mitochondrial RNA processing endoribonuclease; minus strand). Cytogenetic location: 9p13.3.
Variant type: Deletion.
Genome position: GRCh38 VCF-style: chr9-35658072-ATGATTAGGG-A. GRCh37 (hg19) VCF-style: chr9-35658069-ATGATTAGGG-A.
Identifiers: ClinVar variation 2813910 (VCV002813910.3), dbSNP rs2490605003, ClinGen allele CA2739269247.